The following is an entry in ClinVar:

NM_145290.4(ADGRA3):c.3641A>C (p.Asn1214Thr)

Gene: ADGRA3 (adhesion G protein-coupled receptor A3; minus strand). Cytogenetic location: 4p15.2.
Variant type: single nucleotide variant.
Coding change: c.3641A>C on transcript NM_145290.4 (MANE Select); coding-DNA position 3641, A replaced by C.
Protein change: p.Asn1214Thr; replaces asparagine 1214 with threonine.
Molecular consequence: missense variant.
Genome position (GRCh38, 1-based): chr4:22,388,030, T>G on the plus strand (A>C on the coding strand, the complement: ADGRA3 is on the minus strand). VCF-style: chr4-22388030-T-G. GRCh37 (hg19) VCF-style: chr4-22389653-T-G.
Other names: short protein forms N1214T.
Identifiers: ClinVar variation 1508545 (VCV001508545.6), dbSNP rs144314535, ClinGen allele CA2873325.

ClinVar aggregate classification (germline): Uncertain significance (1 of 4 stars; one submission).

Allele frequency attached by ClinVar (database versions not stated): gnomAD exomes 0.00001 and 0.00004; ExAC 0.00006; TOPMed 0.00022; gnomAD 0.00025 and 0.00026; ESP Exome Variant Server 0.00031; 1000 Genomes Project 0.00040; 1000 Genomes Project 30x 0.00047.
gnomAD v4.1: 59 of 1,614,158 alleles (0.0037%); highest among the groups gnomAD compares: African/African-American, 0.061%; no homozygotes.

Submission:

Labcorp Genetics (formerly Invitae), Labcorp
Classification: Uncertain significance. Last evaluated: 2026-01-12. Review status: criteria provided, single submitter. Criteria: Invitae Variant Classification Sherloc (09022015). Collection method: clinical testing. Allele origin: germline.
Comment: This sequence change replaces asparagine, which is neutral and polar, with threonine, which is neutral and polar, at codon 1214 of the ADGRA3 protein (p.Asn1214Thr). This variant is present in population databases (rs144314535, gnomAD 0.1%), and has an allele count higher than expected for a pathogenic variant. This variant has not been reported in the literature in individuals affected with ADGRA3-related conditions. ClinVar contains an entry for this variant (Variation ID: 1508545). An algorithm developed to predict the effect of missense changes on protein structure and function (PolyPhen-2) suggests that this variant is likely to be tolerated. In summary, the available evidence is currently insufficient to determine the role of this variant in disease. Therefore, it has been classified as a Variant of Uncertain Significance.